The following is an entry in ClinVar:

NM_003809.3(TNFSF12):c.159+5G>C

Genes: TNFSF12-TNFSF13 (TNFSF12-TNFSF13 readthrough; plus strand), TNFSF12 (TNF superfamily member 12; plus strand). Cytogenetic location: 17p13.1.
Variant type: single nucleotide variant.
Coding change: c.159+5G>C on transcript NM_003809.3 (MANE Select); 5 bases into the intron after coding-DNA position 159, G replaced by C.
Molecular consequence: intron variant.
Genome position (GRCh38, 1-based): chr17:7,549,317, G>C. VCF-style: chr17-7549317-G-C. GRCh37 (hg19) VCF-style: chr17-7452634-G-C.
Other names: c.159+5G>C (NM_172089.4).
Identifiers: ClinVar variation 847863 (VCV000847863.7), dbSNP rs200575102, ClinGen allele CA287462224.

ClinVar aggregate classification (germline): Uncertain significance (1 of 4 stars; one submission).

Conditions:
Common variable immunodeficiency (CVID). Also called: Common variable hypogamma-globulinemia; Common variable agammaglobulinemia. Identifiers: Orphanet 1572, MedGen C0009447, MONDO:0015517.

Allele frequency attached by ClinVar (database versions not stated): TOPMed 0.00001; 1000 Genomes Project 30x 0.00031.
gnomAD v4.1: 6 of 1,398,318 alleles (0.00043%); highest among the groups gnomAD compares: Admixed American, 0.016%; no homozygotes.

Submission:

Labcorp Genetics (formerly Invitae), Labcorp
Classification: Uncertain significance for Common variable immunodeficiency. Last evaluated: 2025-05-28. Review status: criteria provided, single submitter. Criteria: Invitae Variant Classification Sherloc (09022015). Collection method: clinical testing. Allele origin: germline.
Comment: This sequence change falls in intron 1 of the TNFSF12 gene. It does not directly change the encoded amino acid sequence of the TNFSF12 protein. It affects a nucleotide within the consensus splice site. This variant is not present in population databases (gnomAD no frequency). This variant has not been reported in the literature in individuals affected with TNFSF12-related conditions. ClinVar contains an entry for this variant (Variation ID: 847863). Variants that disrupt the consensus splice site are a relatively common cause of aberrant splicing (PMID: 17576681, 9536098). Algorithms developed to predict the effect of sequence changes on RNA splicing suggest that this variant may disrupt the consensus splice site. In summary, the available evidence is currently insufficient to determine the role of this variant in disease. Therefore, it has been classified as a Variant of Uncertain Significance.

Literature cited by the submitters: PubMed 17576681; PubMed 9536098.